The following is an entry in ClinVar:

NM_000152.5(GAA):c.1762G>A (p.Val588Met)

Gene: GAA (alpha glucosidase; plus strand). Cytogenetic location: 17q25.3.
Variant type: single nucleotide variant.
Coding change: c.1762G>A on transcript NM_000152.5 (MANE Select); coding-DNA position 1762, G replaced by A.
Protein change: p.Val588Met; replaces valine 588 with methionine.
Molecular consequence: missense variant.
Genome position (GRCh38, 1-based): chr17:80,112,585, G>A. VCF-style: chr17-80112585-G-A. GRCh37 (hg19) VCF-style: chr17-78086384-G-A.
Other names: c.1762G>A, p.Val588Met (NM_001079803.3, NM_001079804.3); short protein forms V588M.
Identifiers: ClinVar variation 1398048 (VCV001398048.4), dbSNP rs370138790, ClinGen allele CA8815471.
Genomic context (GRCh38, chr17:80,112,585, plus strand): 5'-TTCCCGAGTGACCCCGCTCCACACAGCCCTCACGGTGTCCCCCACCACCCCAGGGCGCTG[G>A]TGAAGGCTCGGGGGACACGCCCATTTGTGATCTCCCGCTCGACCTTTGCTGGCCACGGCC-3'
Protein context (NP_000143.2, residues 578-598): TEAIASHRAL[Val588Met]KARGTRPFVI

ClinVar aggregate classification (germline): Uncertain significance. Review status: criteria provided, multiple submitters, no conflicts (2 of 4 stars). 2 submissions from 2 submitters: Uncertain significance (2). Last evaluated 2026-07-01.

Conditions:
Glycogen storage disease, type II (IOPD). Also called: CARDIOMEGALIA GLYCOGENICA DIFFUSA; GLYCOGENOSIS, GENERALIZED, CARDIAC FORM; GSD II; POMPE DISEASE, INFANTILE-ONSET; GLYCOGEN STORAGE DISEASE II, INFANTILE-ONSET; ACID ALPHA-GLUCOSIDASE DEFICIENCY, INFANTILE-ONSET. Identifiers: Orphanet 365, MedGen C0017921, MONDO:0009290, OMIM 232300.

Allele frequency attached by ClinVar (database versions not stated): gnomAD exomes below 0.00001; TOPMed below 0.00001; ExAC 0.00001; ESP Exome Variant Server 0.00008.

Submissions (2):

Genomenon, Inc
Classification: Uncertain significance for Glycogen storage disease, type II. Last evaluated: 2026-07-01. Review status: criteria provided, single submitter. Criteria: Genomenon Sequence Variant Interpretation Standards - Updated. Collection method: curation. Allele origin: germline. Affected: no.
Comment: GAA p.Val588Met (c.1762G>A) is a missense variant that changes the amino acid at codon 588 from Valine to Methionine. This variant has been reported in the published literature (PMID:30281819;27692865). It is absent or not present at a significant frequency in gnomAD. In silico models predict that this variant is not damaging. In conclusion, we classify GAA p.Val588Met (c.1762G>A) as a variant of uncertain significance.

Labcorp Genetics (formerly Invitae), Labcorp
Classification: Uncertain significance for Glycogen storage disease, type II. Last evaluated: 2022-03-22. Review status: criteria provided, single submitter. Criteria: Invitae Variant Classification Sherloc (09022015). Collection method: clinical testing. Allele origin: germline.
Comment: This sequence change replaces valine, which is neutral and non-polar, with methionine, which is neutral and non-polar, at codon 588 of the GAA protein (p.Val588Met). The frequency data for this variant in the population databases is considered unreliable, as metrics indicate poor data quality at this position in the gnomAD database. This variant has not been reported in the literature in individuals affected with GAA-related conditions. Advanced modeling of protein sequence and biophysical properties (such as structural, functional, and spatial information, amino acid conservation, physicochemical variation, residue mobility, and thermodynamic stability) performed at Invitae indicates that this missense variant is not expected to disrupt GAA protein function. In summary, the available evidence is currently insufficient to determine the role of this variant in disease. Therefore, it has been classified as a Variant of Uncertain Significance.

Literature cited by the submitters: PubMed 30281819 (cited by Genomenon, Inc); PubMed 27692865 (cited by Genomenon, Inc).